The following is an entry in ClinVar:

NM_015375.3(DSTYK):c.1081G>A (p.Ala361Thr)

Gene: DSTYK (dual serine/threonine and tyrosine protein kinase; minus strand). Cytogenetic location: 1q32.1.
Variant type: single nucleotide variant.
Coding change: c.1081G>A on transcript NM_015375.3 (MANE Select); coding-DNA position 1081, G replaced by A.
Protein change: p.Ala361Thr; replaces alanine 361 with threonine.
Molecular consequence: missense variant.
Genome position (GRCh38, 1-based): chr1:205,169,406, C>T on the plus strand (G>A on the coding strand, the complement: DSTYK is on the minus strand). VCF-style: chr1-205169406-C-T. GRCh37 (hg19) VCF-style: chr1-205138534-C-T.
Other names: c.1081G>A, p.Ala361Thr (NM_199462.3); short protein forms A361T.
Identifiers: ClinVar variation 3713726 (VCV003713726.2).
Genomic context (GRCh38, chr1:205,169,406, plus strand): 5'-GCATGTCAAATGCCTGGTTAATAAAGATGTCAAGGCAGTGGCAGTGCACCAGGTTCAGGG[C>T]CTTGGCTGCATCCACCAGGCGAGTCTGTAACACCTGGTGAGAAAATGTGCTCAAGTGTCT-3'
Protein context (NP_056190.1, residues 351-371): LQTRLVDAAK[Ala361Thr]LNLVHCHCLD

ClinVar aggregate classification (germline): Uncertain significance (1 of 4 stars; one submission).

gnomAD v4.1: 12 of 1,614,024 alleles (0.00074%); highest among the groups gnomAD compares: Admixed American, 0.005%; no homozygotes.

Submission:

Labcorp Genetics (formerly Invitae), Labcorp
Classification: Uncertain significance. Last evaluated: 2025-06-12. Review status: criteria provided, single submitter. Criteria: Invitae Variant Classification Sherloc (09022015). Collection method: clinical testing. Allele origin: germline.
Comment: This sequence change replaces alanine, which is neutral and non-polar, with threonine, which is neutral and polar, at codon 361 of the DSTYK protein (p.Ala361Thr). This variant is not present in population databases (gnomAD no frequency). This variant has not been reported in the literature in individuals affected with DSTYK-related conditions. ClinVar contains an entry for this variant (Variation ID: 3713726). An algorithm developed to predict the effect of missense changes on protein structure and function (PolyPhen-2) suggests that this variant is likely to be tolerated. In summary, the available evidence is currently insufficient to determine the role of this variant in disease. Therefore, it has been classified as a Variant of Uncertain Significance.